The following is an entry in ClinVar:

NM_000293.3(PHKB):c.1983_1984del (p.Gly662fs)

Gene: PHKB (phosphorylase kinase regulatory subunit beta; plus strand). Cytogenetic location: 16q12.1.
Variant type: Deletion.
Coding change: c.1983_1984del on transcript NM_000293.3 (MANE Select); coding-DNA positions 1983 to 1984, 2 bases deleted (TG; older notation c.1983_1984delTG).
Protein change: p.Gly662fs; shifts the reading frame from glycine 662.
Molecular consequence: frameshift variant.
Genome position (GRCh38, 1-based): chr16:47,660,517-47,660,518, TG deleted. VCF-style (leftmost placement, unchanged base first): chr16-47660516-CTG-C. GRCh37 (hg19) VCF-style: chr16-47694427-CTG-C.
Other names: c.1962_1963del, p.Gly655fs (NM_001031835.3); c.1983_1984del, p.Gly662fs (NM_001363837.1); short protein forms G655fs, G662fs.
Identifiers: ClinVar variation 2859203 (VCV002859203.3), dbSNP rs1973422354, ClinGen allele CA2220451950.
Genomic context (GRCh38, chr16:47,660,516, plus strand): 5'-TATGGCTTGATGTATCTAAGAGTTTCTAATCTTTTTCGATCACGTTTCAGACACTAATAT[CTG>C]GAGCTGTGGTAGAACAACTTGATTTCCTACGAATCAGTGACACAGAAGAGTAAGTCCCTT-3'

ClinVar aggregate classification (germline): Pathogenic (1 of 4 stars; one submission).

Conditions:
Glycogen storage disease IXb (GSD9B). Also called: GLYCOGENOSIS OF LIVER AND MUSCLE, AUTOSOMAL RECESSIVE; GSD IXb; PHOSPHORYLASE KINASE DEFICIENCY OF LIVER AND MUSCLE, AUTOSOMAL RECESSIVE. Identifiers: Orphanet 79240, MedGen C0543514, MONDO:0009868, OMIM 261750.

Allele frequency attached by ClinVar (database versions not stated): gnomAD exomes 0.00001.

Submission:

Labcorp Genetics (formerly Invitae), Labcorp
Classification: Pathogenic for Glycogen storage disease IXb. Last evaluated: 2023-06-20. Review status: criteria provided, single submitter. Criteria: Invitae Variant Classification Sherloc (09022015). Collection method: clinical testing. Allele origin: germline.
Comment: This variant has not been reported in the literature in individuals affected with PHKB-related conditions. This variant is not present in population databases (gnomAD no frequency). This sequence change creates a premature translational stop signal (p.Gly662Serfs*7) in the PHKB gene. It is expected to result in an absent or disrupted protein product. Loss-of-function variants in PHKB are known to be pathogenic (PMID: 9215682, 9326319). For these reasons, this variant has been classified as Pathogenic.

Literature cited by the submitters: PubMed 9215682; PubMed 9326319.